The following is an entry in ClinVar:

NM_000092.5(COL4A4):c.3565A>T (p.Lys1189Ter)

Gene: COL4A4 (collagen type IV alpha 4 chain; minus strand). Cytogenetic location: 2q36.3.
Variant type: single nucleotide variant.
Coding change: c.3565A>T on transcript NM_000092.5 (MANE Select); coding-DNA position 3565, A replaced by T.
Protein change: p.Lys1189Ter; replaces lysine 1189 with a stop codon.
Molecular consequence: nonsense.
Genome position (GRCh38, 1-based): chr2:227,033,422, T>A on the plus strand (A>T on the coding strand, the complement: COL4A4 is on the minus strand). VCF-style: chr2-227033422-T-A. GRCh37 (hg19) VCF-style: chr2-227898138-T-A.
Other names: short protein forms K1189*.
Identifiers: ClinVar variation 983886 (VCV000983886.3), dbSNP rs1968848668, ClinGen allele CA350838009.
Genomic context (GRCh38, chr2:227,033,422, plus strand): 5'-GAACCATGGACTGAAGCTCAGTCTGTTACGAATCGATTAGGTGCTTACCTGAAGCACCTT[T>A]AGTTCCTTTCTGACCTTTCAATCCATGCAAGCCGTTCAGGCCAGGTGATCCGGAGGGACC-3'

ClinVar aggregate classification (germline): Likely pathogenic (1 of 4 stars; one submission).

Conditions:
Autosomal recessive Alport syndrome (ATS2). Also called: ALPORT SYNDROME 2, AUTOSOMAL RECESSIVE; Alport syndrome type 2; COL4A4 Alport Syndrome and Thin Basement Membrane Nephropathy; COL4A3-Related Nephropathy. Identifiers: Orphanet 63, Orphanet 88919, MedGen C4746745, MONDO:0008762, OMIM 203780.

Submission:

Myriad Genetics, Inc.
Classification: Likely pathogenic for Autosomal recessive Alport syndrome. Last evaluated: 2019-08-07. Review status: criteria provided, single submitter. Criteria: Myriad Women's Health Autosomal Recessive and X-Linked Classification Criteria (2019). Collection method: clinical testing. Allele origin: unknown.
Comment: NM_000092.4(COL4A4):c.3565A>T(K1189*) is expected to be pathogenic in the context of COL4A4-related Alport syndrome. This variant is predicted to lead to an abnormal or absent protein product due to the creation of a premature termination codon in COL4A4, a gene where loss-of-function variants are known to be pathogenic. Please note: this variant was assessed in the context of healthy population screening.